The following is an entry in ClinVar:

NM_017654.4(SAMD9):c.973A>G (p.Met325Val)

Gene: SAMD9 (sterile alpha motif domain containing 9; minus strand). Cytogenetic location: 7q21.2.
Variant type: single nucleotide variant.
Coding change: c.973A>G on transcript NM_017654.4 (MANE Select); coding-DNA position 973, A replaced by G.
Protein change: p.Met325Val; replaces methionine 325 with valine.
Molecular consequence: missense variant.
Genome position (GRCh38, 1-based): chr7:93,105,125, T>C on the plus strand (A>G on the coding strand, the complement: SAMD9 is on the minus strand). VCF-style: chr7-93105125-T-C. GRCh37 (hg19) VCF-style: chr7-92734438-T-C.
Other names: c.973A>G, p.Met325Val (NM_001193307.2); short protein forms M325V.
Identifiers: ClinVar variation 4629952 (VCV004629952.1).
Genomic context (GRCh38, chr7:93,105,125, plus strand): 5'-CTCGCACAAATAGTGAGAATTTTTTACTTTGTTCCCATATTTTGTTGTTGTAATTTTGCA[T>C]TTTAATCTGGAAATAATCATATTGGCATTCAGAGAACTGTGGAATAATGTCCACTTCAAT-3'
Protein context (NP_060124.2, residues 315-335): ECQYDYFQIK[Met325Val]QNYNNKIWEQ

ClinVar aggregate classification (germline): Uncertain significance (1 of 4 stars; one submission).

Conditions:
Inborn genetic diseases. Identifiers: MedGen C0950123, MeSH D030342.

Submission:

Ambry Genetics
Classification: Uncertain significance for Inborn genetic diseases. Last evaluated: 2025-11-17. Review status: criteria provided, single submitter. Criteria: Ambry Variant Classification Scheme 2023. Collection method: clinical testing. Allele origin: germline.
Comment: The p.M325V variant (also known as c.973A>G), located in coding exon 1 of the SAMD9 gene, results from an A to G substitution at nucleotide position 973. The methionine at codon 325 is replaced by valine, an amino acid with highly similar properties. This amino acid position is conserved. In addition, this alteration is predicted to be tolerated by in silico analysis. Based on the available evidence, the clinical significance of this variant remains unclear.